The following is an entry in ClinVar:

ClinVar aggregate classification (germline): Uncertain significance (1 of 4 stars; one submission).

Conditions:
Hereditary cancer-predisposing syndrome. Also called: Neoplastic Syndromes, Hereditary; Tumor predisposition; Hereditary Cancer Syndrome; Hereditary neoplastic syndrome. Identifiers: Orphanet 140162, MedGen C0027672, MeSH D009386, MONDO:0015356.

Submission:

Ambry Genetics
Classification: Uncertain significance for Hereditary cancer-predisposing syndrome. Last evaluated: 2022-08-13. Review status: criteria provided, single submitter. Criteria: Ambry Variant Classification Scheme 2023. Collection method: clinical testing. Allele origin: germline.
Comment: The p.H287Y variant (also known as c.859C>T), located in coding exon 8 of the FANCC gene, results from a C to T substitution at nucleotide position 859. The histidine at codon 287 is replaced by tyrosine, an amino acid with similar properties. This amino acid position is conserved. In addition, this alteration is predicted to be tolerated by in silico analysis. Since supporting evidence is limited at this time, the clinical significance of this alteration remains unclear.

NM_000136.3(FANCC):c.859C>T (p.His287Tyr)

Genes: AOPEP (aminopeptidase O (putative); plus strand), FANCC (FA complementation group C; minus strand). Cytogenetic location: 9q22.32.
Variant type: single nucleotide variant.
Coding change: c.859C>T on transcript NM_000136.3 (MANE Select); coding-DNA position 859, C replaced by T.
Protein change: p.His287Tyr; replaces histidine 287 with tyrosine.
Molecular consequence: missense variant.
Genome position (GRCh38, 1-based): chr9:95,126,566, G>A on the plus strand (C>T on the coding strand, the complement: FANCC is on the minus strand). VCF-style: chr9-95126566-G-A. GRCh37 (hg19) VCF-style: chr9-97888848-G-A.
Other names: c.859C>T, p.His287Tyr (NM_001243743.2, NM_001243744.2); short protein forms H287Y.
Identifiers: ClinVar variation 1763975 (VCV001763975.2), dbSNP rs2541176823, ClinGen allele CA374109123.